The following is an entry in ClinVar:

ClinVar aggregate classification (germline): Conflicting classifications of pathogenicity. Review status: criteria provided, conflicting classifications (1 of 4 stars). 2 submissions from 2 submitters: Likely pathogenic (1); Uncertain significance (1). Last evaluated 2025-03-10.

Conditions:
Emery-Dreifuss muscular dystrophy 1, X-linked (EDMD1). Also called: SCAPULOPERONEAL SYNDROME, X-LINKED; HUMEROPERONEAL NEUROMUSCULAR DISEASE; EMD-Related Emery-Dreifuss Muscular Dystrophy, X-Linked; Muscular dystrophy, tardive, Dreifuss-Emery type, with contractures. Identifiers: MedGen CN375556, MONDO:0100531, OMIM 310300.

gnomAD v4.1: 1 of 1,205,763 alleles (0.000083%); highest among the groups gnomAD compares: Non-Finnish European, 0.00011%; no homozygotes.

Submissions (2):

Women's Health and Genetics/Laboratory Corporation of America, LabCorp
Classification: Uncertain significance. Last evaluated: 2025-03-10. Review status: criteria provided, single submitter. Criteria: LabCorp Variant Classification Summary - May 2015. Collection method: clinical testing. Allele origin: germline.
Comment: Variant summary: EMD c.161C>T (p.Ser54Phe) results in a non-conservative amino acid change in the encoded protein sequence. Four of four in-silico tools predict a damaging effect of the variant on protein function. The variant was absent in 168346 control chromosomes. The available data on variant occurrences in the general population are insufficient to allow any conclusion about variant significance. c.161C>T has been described as a EDMD causing variant in the literature without specifying the clinical features of the affected individuals (Haraguchi_2004). These report(s) do not provide unequivocal conclusions about association of the variant with Emery-Dreifuss Muscular Dystrophy. Studies have shown S54F reduced binding to Btf (Haraguchi_2004) and in an emerin-null (EMD/y) background S54F failed to rescue EMD/y myogenic differentiation (Lyer_Cells_2020). The following publications have been ascertained in the context of this evaluation (PMID: 32549231, 26415001, 15009215). ClinVar contains an entry for this variant (Variation ID: 2675026). Based on the evidence outlined above, the variant was classified as uncertain significance.

Baylor Genetics
Classification: Likely pathogenic for Emery-Dreifuss muscular dystrophy 1, X-linked. Last evaluated: 2023-02-09. Review status: criteria provided, single submitter. Criteria: ACMG Guidelines, 2015. Collection method: clinical testing. Allele origin: unknown.

Literature cited by the submitters: PubMed 15009215 (cited by Women's Health and Genetics/Laboratory Corporation of America, LabCorp); PubMed 26415001 (cited by Women's Health and Genetics/Laboratory Corporation of America, LabCorp); PubMed 32549231 (cited by Women's Health and Genetics/Laboratory Corporation of America, LabCorp).

NM_000117.3(EMD):c.161C>T (p.Ser54Phe)

Gene: EMD (emerin; plus strand). Cytogenetic location: Xq28.
Variant type: single nucleotide variant.
Coding change: c.161C>T on transcript NM_000117.3 (MANE Select); coding-DNA position 161, C replaced by T.
Protein change: p.Ser54Phe; replaces serine 54 with phenylalanine.
Molecular consequence: missense variant.
Genome position (GRCh38, 1-based): chrX:154,379,768, C>T. VCF-style: chrX-154379768-C-T. GRCh37 (hg19) VCF-style: chrX-153608128-C-T.
Other names: short protein forms S54F.
Identifiers: ClinVar variation 2675026 (VCV002675026.2), dbSNP rs782764813, ClinGen allele CA415257517.